The following is an entry in ClinVar:

ClinVar aggregate classification (germline): Pathogenic/Likely pathogenic. Review status: criteria provided, multiple submitters, no conflicts (2 of 4 stars). 2 submissions from 2 submitters: Pathogenic (1); Likely pathogenic (1). Last evaluated 2024-03-23.

Conditions:
Achondrogenesis, type IB (ACG1B). Also called: Achondrogenesis Type 1B. Identifiers: Orphanet 932, Orphanet 93298, MedGen C0265274, MONDO:0010966, OMIM 600972.
Diastrophic dysplasia (DTD). Also called: Diastrophic dwarfism. Identifiers: Orphanet 628, MedGen C0220726, MONDO:0009107, OMIM 222600.
Multiple epiphyseal dysplasia type 4 (EDM4). Also called: Multiple Epiphyseal Dysplasia, Recessive; MULTIPLE EPIPHYSEAL DYSPLASIA WITH BILAYERED PATELLAE; MULTIPLE EPIPHYSEAL DYSPLASIA WITH CLUBFOOT; MULTIPLE EPIPHYSEAL DYSPLASIA, AUTOSOMAL RECESSIVE; SLC26A2-Related Multiple Epiphyseal Dysplasia. Identifiers: Orphanet 93307, MedGen C1847593, MONDO:0009189, OMIM 226900.
Atelosteogenesis type II (AO2). Also called: NEONATAL OSSEOUS DYSPLASIA I; SLC26A2-Related Atelosteogenesis; Neonatal osseous dysplasia 1. Identifiers: Orphanet 56304, MedGen C1850554, MONDO:0009727, OMIM 256050.

Allele frequency attached by ClinVar (database versions not stated): gnomAD exomes below 0.00001; TOPMed below 0.00001.
gnomAD v4.1: 2 of 1,614,118 alleles (0.00012%); highest among the groups gnomAD compares: Middle Eastern, 0.016%; no homozygotes.

Submissions (2):

Baylor Genetics
Classification: Likely pathogenic for Achondrogenesis, type IB. Last evaluated: 2024-03-23. Review status: criteria provided, single submitter. Criteria: ACMG Guidelines, 2015. Collection method: clinical testing. Allele origin: unknown.

Labcorp Genetics (formerly Invitae), Labcorp
Classification: Pathogenic for Atelosteogenesis type II; Multiple epiphyseal dysplasia type 4; Achondrogenesis, type IB; Diastrophic dysplasia. Last evaluated: 2022-09-16. Review status: criteria provided, single submitter. Criteria: Invitae Variant Classification Sherloc (09022015). Collection method: clinical testing. Allele origin: germline.
Comment: For these reasons, this variant has been classified as Pathogenic. This variant has not been reported in the literature in individuals affected with SLC26A2-related conditions. This variant is not present in population databases (gnomAD no frequency). This sequence change creates a premature translational stop signal (p.Lys72*) in the SLC26A2 gene. It is expected to result in an absent or disrupted protein product. Loss-of-function variants in SLC26A2 are known to be pathogenic (PMID: 7923357, 10482955, 11241838).

Literature cited by the submitters: PubMed 7923357 (cited by Labcorp Genetics (formerly Invitae), Labcorp); PubMed 10482955 (cited by Labcorp Genetics (formerly Invitae), Labcorp); PubMed 11241838 (cited by Labcorp Genetics (formerly Invitae), Labcorp).

NM_000112.4(SLC26A2):c.214A>T (p.Lys72Ter)

Gene: SLC26A2 (solute carrier family 26 member 2; plus strand). Cytogenetic location: 5q32.
Variant type: single nucleotide variant.
Coding change: c.214A>T on transcript NM_000112.4 (MANE Select); coding-DNA position 214, A replaced by T.
Protein change: p.Lys72Ter; replaces lysine 72 with a stop codon.
Molecular consequence: nonsense.
Genome position (GRCh38, 1-based): chr5:149,977,866, A>T. VCF-style: chr5-149977866-A-T. GRCh37 (hg19) VCF-style: chr5-149357429-A-T.
Other names: short protein forms K72*.
Identifiers: ClinVar variation 2106147 (VCV002106147.5), dbSNP rs1479713112, ClinGen allele CA361704394.